The following is an entry in ClinVar:

NM_006088.6(TUBB4B):c.1200C>T (p.Gly400=)

Gene: TUBB4B (tubulin beta 4B class IVb; plus strand). Cytogenetic location: 9q34.3.
Variant type: single nucleotide variant.
Coding change: c.1200C>T on transcript NM_006088.6 (MANE Select); coding-DNA position 1200, C replaced by T.
Protein change: p.Gly400=; no amino-acid change (glycine 400 retained).
Molecular consequence: synonymous variant.
Genome position (GRCh38, 1-based): chr9:137,243,418, C>T. VCF-style: chr9-137243418-C-T. GRCh37 (hg19) VCF-style: chr9-140137870-C-T.
Identifiers: ClinVar variation 1673595 (VCV001673595.13), dbSNP rs148635740, ClinGen allele CA5365483.

ClinVar aggregate classification (germline): Benign/Likely benign. Review status: criteria provided, multiple submitters, no conflicts (2 of 4 stars). 3 submissions from 3 submitters: Benign (1); Likely benign (2). Last evaluated 2026-03-01.

Allele frequency attached by ClinVar (database versions not stated): 1000 Genomes Project 30x 0.00016; 1000 Genomes Project 0.00020; TOPMed 0.00090; ESP Exome Variant Server 0.00093; ExAC 0.00113; gnomAD exomes 0.00118 and 0.00119; gnomAD 0.00139 and 0.00145.

Submissions (3):

CeGaT Center for Human Genetics Tuebingen
Classification: Likely benign. Last evaluated: 2026-03-01. Review status: criteria provided, single submitter. Criteria: CeGaT Center For Human Genetics Tuebingen Variant Classification Criteria Version 2. Collection method: clinical testing. Allele origin: germline. Affected: yes. Observed: 1 variant allele.
Comment: TUBB4B: BP4, BP7

Labcorp Genetics (formerly Invitae), Labcorp
Classification: Benign. Last evaluated: 2025-11-04. Review status: criteria provided, single submitter. Criteria: Invitae Variant Classification Sherloc (09022015). Collection method: clinical testing. Allele origin: germline.

Blueprint Genetics
Classification: Likely benign. Last evaluated: 2024-11-05. Review status: criteria provided, single submitter. Criteria: ACMG Guidelines, 2015. Collection method: clinical testing. Allele origin: germline.